The following is an entry in ClinVar:

NM_001041.4(SI):c.1754T>C (p.Ile585Thr)

Gene: SI (sucrase-isomaltase; minus strand). Cytogenetic location: 3q26.1.
Variant type: single nucleotide variant.
Coding change: c.1754T>C on transcript NM_001041.4 (MANE Select); coding-DNA position 1754, T replaced by C.
Protein change: p.Ile585Thr; replaces isoleucine 585 with threonine.
Molecular consequence: missense variant.
Genome position (GRCh38, 1-based): chr3:165,046,974, A>G on the plus strand (T>C on the coding strand, the complement: SI is on the minus strand). VCF-style: chr3-165046974-A-G. GRCh37 (hg19) VCF-style: chr3-164764762-A-G.
Other names: short protein forms I585T.
Identifiers: ClinVar variation 4975609 (VCV004975609.1).

ClinVar aggregate classification (germline): Uncertain significance (1 of 4 stars; one submission).

gnomAD v4.1: 17 of 1,611,382 alleles (0.0011%); highest among the groups gnomAD compares: Non-Finnish European, 0.0013%; no homozygotes.

Submission:

GeneDx
Classification: Uncertain significance. Last evaluated: 2026-01-28. Review status: criteria provided, single submitter. Criteria: GeneDx Variant Classification Process June 2021. Collection method: clinical testing. Allele origin: germline.
Comment: Not observed at significant frequency in large population cohorts (gnomAD); In silico analysis supports that this missense variant has a deleterious effect on protein structure/function; Has not been previously published as pathogenic or benign to our knowledge